The following is an entry in ClinVar:

NM_001999.4(FBN2):c.1135C>G (p.Leu379Val)

Gene: FBN2 (fibrillin 2; minus strand). Cytogenetic location: 5q23.3.
Variant type: single nucleotide variant.
Coding change: c.1135C>G on transcript NM_001999.4 (MANE Select); coding-DNA position 1135, C replaced by G.
Protein change: p.Leu379Val; replaces leucine 379 with valine.
Molecular consequence: missense variant.
Genome position (GRCh38, 1-based): chr5:128,395,218, G>C on the plus strand (C>G on the coding strand, the complement: FBN2 is on the minus strand). VCF-style: chr5-128395218-G-C. GRCh37 (hg19) VCF-style: chr5-127730911-G-C.
Other names: short protein forms L379V.
Identifiers: ClinVar variation 4844433 (VCV004844433.1).
Genomic context (GRCh38, chr5:128,395,218, plus strand): 5'-CGATGCCCCAGCAGCGGCCAGGCTCACAGCAGCACTGCATTTTCGTCATTCTCCCCGGGA[G>C]CTCTTGTGCACAGCGGCCATTCACCAGGCCCGAGAAACACATGCCTGTTCTCTGATCTGT-3'
Protein context (NP_001990.2, residues 369-389): GLVNGRCAQE[Leu379Val]PGRMTKMQCC

ClinVar aggregate classification (germline): Uncertain significance (1 of 4 stars; one submission).

Conditions:
Familial thoracic aortic aneurysm and aortic dissection (TAAD). Also called: Thoracic aortic aneurysms and dissections. Identifiers: Orphanet 91387, MedGen C4707243, MONDO:0019625.

Submission:

Ambry Genetics
Classification: Uncertain significance for Familial thoracic aortic aneurysm and aortic dissection. Last evaluated: 2026-02-13. Review status: criteria provided, single submitter. Criteria: Ambry Variant Classification Scheme 2023. Collection method: clinical testing. Allele origin: germline.
Comment: The p.L379V variant (also known as c.1135C>G), located in coding exon 9 of the FBN2 gene, results from a C to G substitution at nucleotide position 1135. The leucine at codon 379 is replaced by valine, an amino acid with highly similar properties. This amino acid position is well conserved in available vertebrate species. In addition, the in silico prediction for this alteration is inconclusive. Based on the available evidence, the clinical significance of this variant remains unclear.